The following is an entry in ClinVar:

NM_017947.4(MOCOS):c.277A>G (p.Thr93Ala)

Gene: MOCOS (molybdenum cofactor sulfurase; plus strand). Cytogenetic location: 18q12.2.
Variant type: single nucleotide variant.
Coding change: c.277A>G on transcript NM_017947.4 (MANE Select); coding-DNA position 277, A replaced by G.
Protein change: p.Thr93Ala; replaces threonine 93 with alanine.
Molecular consequence: missense variant.
Genome position (GRCh38, 1-based): chr18:36,198,734, A>G. VCF-style: chr18-36198734-A-G. GRCh37 (hg19) VCF-style: chr18-33778697-A-G.
Other names: short protein forms T93A.
Identifiers: ClinVar variation 644865 (VCV000644865.10), dbSNP rs890456473, ClinGen allele CA298654219.

ClinVar aggregate classification (germline): Uncertain significance. Review status: criteria provided, multiple submitters, no conflicts (2 of 4 stars). 2 submissions from 2 submitters: Uncertain significance (2). Last evaluated 2023-04-18.

Conditions:
Xanthinuria type II. Also called: Xanthine dehydrogenase and aldehyde oxidase combined deficiency of; XDH and AOX dual deficiency. Identifiers: Orphanet 3467, Orphanet 93602, MedGen C1863688, MONDO:0011346, OMIM 603592.

Allele frequency attached by ClinVar (database versions not stated): gnomAD exomes below 0.00001; TOPMed 0.00002.
gnomAD v4.1: 1 of 1,614,170 alleles (0.000062%); highest among the groups gnomAD compares: Admixed American, 0.0017%; no homozygotes.

Submissions (2):

Ambry Genetics
Classification: Uncertain significance. Last evaluated: 2023-04-18. Review status: criteria provided, single submitter. Criteria: Ambry Variant Classification Scheme 2023. Collection method: clinical testing. Allele origin: germline.

Labcorp Genetics (formerly Invitae), Labcorp
Classification: Uncertain significance for Xanthinuria type II. Last evaluated: 2018-11-30. Review status: criteria provided, single submitter. Criteria: Invitae Variant Classification Sherloc (09022015). Collection method: clinical testing. Allele origin: germline.
Comment: This sequence change replaces threonine with alanine at codon 93 of the MOCOS protein (p.Thr93Ala). The threonine residue is highly conserved and there is a small physicochemical difference between threonine and alanine. This variant is not present in population databases (ExAC no frequency). This variant has not been reported in the literature in individuals with MOCOS-related conditions. Algorithms developed to predict the effect of missense changes on protein structure and function (SIFT, PolyPhen-2, Align-GVGD) all suggest that this variant is likely to be tolerated, but these predictions have not been confirmed by published functional studies and their clinical significance is uncertain. In summary, the available evidence is currently insufficient to determine the role of this variant in disease. Therefore, it has been classified as a Variant of Uncertain Significance.